The following is an entry in ClinVar:

NM_002299.4(LCT):c.1088G>A (p.Trp363Ter)

Genes: LCT (lactase; minus strand), LOC126806353 (BRD4-independent group 4 enhancer GRCh37_chr2:136574960-136576159; plus strand). Cytogenetic location: 2q21.3.
Variant type: single nucleotide variant.
Coding change: c.1088G>A on transcript NM_002299.4 (MANE Select); coding-DNA position 1088, G replaced by A.
Protein change: p.Trp363Ter; replaces tryptophan 363 with a stop codon.
Molecular consequence: nonsense.
Genome position (GRCh38, 1-based): chr2:135,817,960, C>T on the plus strand (G>A on the coding strand, the complement: LCT is on the minus strand). VCF-style: chr2-135817960-C-T. GRCh37 (hg19) VCF-style: chr2-136575530-C-T.
Other names: short protein forms W363*.
Identifiers: ClinVar variation 3625419 (VCV003625419.2).

ClinVar aggregate classification (germline): Pathogenic (1 of 4 stars; one submission).

Submission:

Labcorp Genetics (formerly Invitae), Labcorp
Classification: Pathogenic. Last evaluated: 2024-03-01. Review status: criteria provided, single submitter. Criteria: Invitae Variant Classification Sherloc (09022015). Collection method: clinical testing. Allele origin: germline.
Comment: This sequence change creates a premature translational stop signal (p.Trp363*) in the LCT gene. It is expected to result in an absent or disrupted protein product. Loss-of-function variants in LCT are known to be pathogenic (PMID: 16400612, 25881162). The frequency data for this variant in the population databases is considered unreliable, as metrics indicate poor data quality at this position in the gnomAD database. This variant has not been reported in the literature in individuals affected with LCT-related conditions. For these reasons, this variant has been classified as Pathogenic.

Literature cited by the submitters: PubMed 16400612; PubMed 25881162.